The following is an entry in ClinVar:

NM_024537.4(CARS2):c.1040_1041delinsTT (p.Ser347Ile)

Gene: CARS2 (cysteinyl-tRNA synthetase 2, mitochondrial; minus strand). Cytogenetic location: 13q34.
Variant type: Indel.
Coding change: c.1040_1041delinsTT on transcript NM_024537.4 (MANE Select); coding-DNA positions 1040 to 1041, GC replaced by TT.
Protein change: p.Ser347Ile; replaces serine 347 with isoleucine.
Molecular consequence: missense variant. On other transcripts: non-coding transcript variant (2).
Genome position (GRCh38, 1-based): chr13:110,651,047-110,651,048, GC replaced by AA on the plus strand (GC replaced by TT on the coding strand, the reverse complement: CARS2 is on the minus strand). VCF-style: chr13-110651047-GC-AA. GRCh37 (hg19) VCF-style: chr13-111303394-GC-AA.
Other names: c.254_255delinsTT, p.Ser85Ile (NM_001352252.2); short protein forms S347I, S85I.
Identifiers: ClinVar variation 1480945 (VCV001480945.8), dbSNP rs2139700229, ClinGen allele CA2573149500.
Genomic context (GRCh38, chr13:110,651,047, plus strand): 5'-TGTCTCCGAGCTGGGGGGGGAGTCCACTCCACGTGTGCTCGGCTCACCTGAGCGGTAGCT[GC>AA]TCCGCAGGCAGAAGAACCGGAAGACATCGGGGGAAAAGGTCTTCAGAAAGTCCTGGTAAA-3'
Protein context (NP_078813.1, residues 337-357): PDVFRFFCLR[Ser347Ile]SYRSAIDYSD

ClinVar aggregate classification (germline): Uncertain significance (1 of 4 stars; one submission).

Conditions:
Combined oxidative phosphorylation defect type 27. Also called: Combined oxidative phosphorylation deficiency 27. Identifiers: Orphanet 477774, MedGen C5567608, MONDO:0014728, OMIM 616672.

Submission:

Labcorp Genetics (formerly Invitae), Labcorp
Classification: Uncertain significance for Combined oxidative phosphorylation defect type 27. Last evaluated: 2022-07-19. Review status: criteria provided, single submitter. Criteria: Invitae Variant Classification Sherloc (09022015). Collection method: clinical testing. Allele origin: germline.
Comment: In summary, the available evidence is currently insufficient to determine the role of this variant in disease. Therefore, it has been classified as a Variant of Uncertain Significance. Algorithms developed to predict the effect of missense changes on protein structure and function are either unavailable or do not agree on the potential impact of this missense change (SIFT: "Not Available"; PolyPhen-2: "Probably Damaging"; Align-GVGD: "Not Available"). ClinVar contains an entry for this variant (Variation ID: 1480945). This variant has not been reported in the literature in individuals affected with CARS2-related conditions. Information on the frequency of this variant in the gnomAD database is not available, as this variant may be reported differently in the database. This sequence change replaces serine, which is neutral and polar, with isoleucine, which is neutral and non-polar, at codon 347 of the CARS2 protein (p.Ser347Ile).